The following is an entry in ClinVar:

NM_000051.4(ATM):c.2021A>G (p.His674Arg)

Gene: ATM (ATM serine/threonine kinase; plus strand). Cytogenetic location: 11q22.3.
Variant type: single nucleotide variant.
Coding change: c.2021A>G on transcript NM_000051.4 (MANE Select); coding-DNA position 2021, A replaced by G.
Protein change: p.His674Arg; replaces histidine 674 with arginine.
Molecular consequence: missense variant.
Genome position (GRCh38, 1-based): chr11:108,253,936, A>G. VCF-style: chr11-108253936-A-G. GRCh37 (hg19) VCF-style: chr11-108124663-A-G.
Other names: c.2021A>G, p.His674Arg (NM_001351834.2); short protein forms H674R.
Identifiers: ClinVar variation 141183 (VCV000141183.84), dbSNP rs201762714, ClinGen allele CA164702.

ClinVar aggregate classification (germline): Conflicting classifications of pathogenicity. Review status: criteria provided, conflicting classifications (1 of 4 stars). 22 submissions from 22 submitters: Uncertain significance (9); Benign (1); Likely benign (7). 5 of the submissions do not count toward it. Last evaluated 2026-06-30.

Conditions:
ATM-related disorder. Also called: ATM-related disorders; ATM-related condition.
Breast and/or ovarian cancer. Identifiers: MedGen CN221562.
Bilateral breast carcinoma. Identifiers: MedGen C0281267, MONDO:0003982.
Familial cancer of breast. Also called: Hereditary breast cancer; hereditary breast carcinoma; BREAST CANCER, FAMILIAL. Identifiers: Orphanet 227535, MedGen C0346153, MONDO:0016419, OMIM 114480. Disease mechanism: loss of function.
Ataxia-telangiectasia syndrome (AT). Also called: ATAXIA-TELANGIECTASIA, COMPLEMENTATION GROUP A; ATAXIA-TELANGIECTASIA, FRESNO VARIANT; Ataxia-telangiectasia; Ataxia-telangiectasia, complementation group D; AT, COMPLEMENTATION GROUP C; Ataxia-telangiectasia, complementation group E. Identifiers: Orphanet 100, MedGen C0004135, MONDO:0008840, OMIM 208900.
Hereditary cancer-predisposing syndrome. Also called: Tumor predisposition; Hereditary neoplastic syndrome; Hereditary Cancer Syndrome; Neoplastic Syndromes, Hereditary. Identifiers: Orphanet 140162, MedGen C0027672, MeSH D009386, MONDO:0015356.
Malignant tumor of breast. Also called: Cancer breast; Malignant breast neoplasm. Identifiers: MedGen C0006142, MONDO:0007254. Disease mechanism: loss of function.

Allele frequency attached by ClinVar (database versions not stated): TOPMed 0.00006; gnomAD 0.00007; ESP Exome Variant Server 0.00008; ExAC 0.00016; gnomAD exomes 0.00016 and 0.00019.

Submissions 1 to 17 of 22:

Women's Health and Genetics/Laboratory Corporation of America, LabCorp
Classification: Likely benign. Last evaluated: 2026-06-30. Review status: criteria provided, single submitter. Criteria: LabCorp Variant Classification Summary - May 2015. Collection method: clinical testing. Allele origin: germline.
Comment: Variant summary: ATM c.2021A>G (p.His674Arg) results in a non-conservative amino acid change in the encoded protein sequence. Algorithms developed to predict the effect of missense changes on protein structure and function are either unavailable or do not agree on the potential impact of this missense change. The variant allele was found at a frequency of 0.00016 in 255894 control chromosomes, predominantly at a frequency of 0.00085 within the South Asian subpopulation in the gnomAD database. The observed variant frequency within South Asian control individuals in the gnomAD database exceeds the estimated maximal expected allele frequency for disease-causing variants in ATM. The variant was also reported in 3/7325 European American women, who were older than 70 years of age, and never had cancer (in the FLOSSIES database), supporting a benign role for the variant. c.2021A>G has been observed in individual(s) with a personal and/or family history of breast/ovarian cancer, and other tumor phenotypes (e.g. Young_2015, Tsaousis_2019, Weitzel_2019, Erdm_2020, Guindalini_2022), as well as in controls (e.g. Tavtigian_2009, Dorling_2021). These report(s) do not provide unequivocal conclusions about association of the variant with disease. To our knowledge, no experimental evidence demonstrating an impact on protein function has been reported. The following publications have been ascertained in the context of this evaluation (PMID: 33471991, 32283892, 35264596, 26689913, 19781682, 31159747, 31206626, 26787654). ClinVar contains an entry for this variant (Variation ID: 141183). Based on the evidence outlined above, the variant was classified as likely benign.

Labcorp Genetics (formerly Invitae), Labcorp
Classification: Likely benign for Ataxia-telangiectasia syndrome. Last evaluated: 2026-01-26. Review status: criteria provided, single submitter. Criteria: Invitae Variant Classification Sherloc (09022015). Collection method: clinical testing. Allele origin: germline.

Center for Genomic Medicine, Rigshospitalet, Copenhagen University Hospital
Classification: Likely benign. Last evaluated: 2025-03-04. Review status: criteria provided, single submitter. Criteria: ACMG Guidelines, 2015. Collection method: clinical testing. Allele origin: germline.

Quest Diagnostics Nichols Institute San Juan Capistrano
Classification: Uncertain significance. Last evaluated: 2024-09-23. Review status: criteria provided, single submitter. Criteria: Quest Diagnostics criteria. Collection method: clinical testing. Allele origin: unknown.
Comment: The ATM c.2021A>G (p.His674Arg) variant has been reported in the published literature in individuals with breast cancer (PMID: 35264596 (2022), 36200007 (2022), 35264596 (2022), 32885271 (2021), 33471991 (2021), see also LOVD), colorectal cancer (PMID: 32283892 (2020), low grade glioma (PMID: 26689913 (2015)), and an unspecified cancer (PMID: 28873162 (2017)). In addition, this variant has been observed in reportedly healthy individuals (PMID: 28779002 (2017), 29641532 (2018), 31206626 (2019), 33471991 (2021), see also LOVD). The frequency of this variant in the general population, 0.00085 (26/30616 chromosomes in South Asian subpopulation (Genome Aggregation Database)), is higher than would generally be expected for pathogenic variants in this gene. Analysis of this variant using bioinformatics tools for the prediction of the effect of amino acid changes on protein structure and function yielded predictions that this variant is benign. Based on the available information, we are unable to determine the clinical significance of this variant.

Color Diagnostics, LLC DBA Color Health
Classification: Likely benign for Hereditary cancer-predisposing syndrome. Last evaluated: 2024-09-18. Review status: criteria provided, single submitter. Criteria: ACMG Guidelines, 2015. Collection method: clinical testing. Allele origin: germline.

ARUP Laboratories, Molecular Genetics and Genomics, ARUP Laboratories
Classification: Likely benign. Last evaluated: 2024-07-12. Review status: criteria provided, single submitter. Criteria: ARUP Molecular Germline Variant Investigation Process 2024. Collection method: clinical testing. Allele origin: germline.

Myriad Genetics, Inc.
Classification: Likely benign for Familial cancer of breast. Last evaluated: 2024-05-06. Review status: criteria provided, single submitter. Criteria: Myriad Autosomal Dominant, Autosomal Recessive and X-Linked Classification Criteria (2023). Collection method: clinical testing. Allele origin: unknown.
Comment: This variant is considered likely benign. This variant is strongly associated with less severe personal and family histories of cancer, typical for individuals without pathogenic variants in this gene [PMID: 25085752].

Mendelics
Classification: Benign for Ataxia-telangiectasia syndrome. Last evaluated: 2023-08-22. Review status: criteria provided, single submitter. Criteria: Mendelics Assertion Criteria 2019. Collection method: clinical testing. Allele origin: germline.

Revvity Omics, Revvity
Classification: Uncertain significance for Ataxia-telangiectasia syndrome. Last evaluated: 2023-07-25. Review status: criteria provided, single submitter. Criteria: ACMG Guidelines, 2015. Collection method: clinical testing. Allele origin: germline.

GeneDx
Classification: Uncertain significance. Last evaluated: 2023-06-13. Review status: criteria provided, single submitter. Criteria: GeneDx Variant Classification Process June 2021. Collection method: clinical testing. Allele origin: germline. Affected: yes.
Comment: In silico analysis supports that this missense variant does not alter protein structure/function; This variant is associated with the following publications: (PMID: 19781682, 26787654, 26689913, 28779002, 27043212, 28873162, 28652578, 31159747, 33471991, 31206626, 32283892, 35264596)

CHEO Genetics Diagnostic Laboratory, Children's Hospital of Eastern Ontario
Classification: Uncertain significance for Breast and/or ovarian cancer. Last evaluated: 2023-04-26. Review status: criteria provided, single submitter. Criteria: ACMG Guidelines, 2015. Collection method: clinical testing. Allele origin: germline.

Institute for Clinical Genetics, University Hospital TU Dresden, University Hospital TU Dresden
Classification: Uncertain significance. Last evaluated: 2021-11-03. Review status: criteria provided, single submitter. Criteria: ACMG Guidelines, 2015. Collection method: clinical testing. Allele origin: germline.

Sema4
Classification: Uncertain significance for Hereditary cancer-predisposing syndrome. Last evaluated: 2021-06-30. Review status: criteria provided, single submitter. Criteria: Sema4 Curation Guidelines. Collection method: curation. Allele origin: germline.
Comment: The ATM c.2021A>G (p.H674R) variant has been reported in individuals with colorectal cancer, low grade glioma, breast cancer and an unspecified, advanced cancer (PMIDs 31159747, 28779002, 32283892, 26689913, 29684080, 28873162). and in an individual in the control cohort of a study comprising breast cancer patients (PMID 19781682). This variant was observed in 26/30616 chromosomes in the South Asian (SAS) population, with no homozygotes, according to the Genome Aggregation Database ((PMID: 32461654). This variant has been reported in ClinVar (Variation ID 141183). In silico tools suggest the impact of the variant on protein function is benign, though these predictions have not been confirmed by functional studies. The overall evidence is insufficient to meet ACMG/AMP criteria for classifying it as benign or pathogenic. In summary, the clinical significance of this variant is currently uncertain.

Ambry Genetics
Classification: Likely benign for Hereditary cancer-predisposing syndrome. Last evaluated: 2019-07-17. Review status: criteria provided, single submitter. Criteria: Ambry Variant Classification Scheme 2023. Collection method: clinical testing. Allele origin: germline.

CeGaT Center for Human Genetics Tuebingen
Classification: Uncertain significance. Last evaluated: 2019-05-01. Review status: criteria provided, single submitter. Criteria: CeGaT Center For Human Genetics Tuebingen Variant Classification Criteria Version 2. Collection method: clinical testing. Allele origin: germline. Affected: yes. Observed: 1 variant allele.

GeneKor MSA
Classification: Uncertain significance for Hereditary cancer-predisposing syndrome. Last evaluated: 2018-08-01. Review status: criteria provided, single submitter. Criteria: ACMG Guidelines, 2015. Collection method: clinical testing. Allele origin: germline. Affected: yes.

Fulgent Genetics
Classification: Uncertain significance for Familial cancer of breast; Ataxia-telangiectasia syndrome. Last evaluated: 2017-05-23. Review status: criteria provided, single submitter. Criteria: ACMG Guidelines, 2015. Collection method: clinical testing. Allele origin: unknown.